The following is an entry in ClinVar:

NM_001130698.2(TRPC3):c.785C>T (p.Pro262Leu)

Gene: TRPC3 (transient receptor potential cation channel subfamily C member 3; minus strand). Cytogenetic location: 4q27.
Variant type: single nucleotide variant.
Coding change: c.785C>T on transcript NM_001130698.2 (MANE Select); coding-DNA position 785, C replaced by T.
Protein change: p.Pro262Leu; replaces proline 262 with leucine.
Molecular consequence: missense variant.
Genome position (GRCh38, 1-based): chr4:121,932,473, G>A on the plus strand (C>T on the coding strand, the complement: TRPC3 is on the minus strand). VCF-style: chr4-121932473-G-A. GRCh37 (hg19) VCF-style: chr4-122853628-G-A.
Other names: c.566C>T, p.Pro189Leu (NM_003305.2); c.785C>T, p.Pro262Leu (NM_001366479.2); short protein forms P189L, P262L.
Identifiers: ClinVar variation 3674495 (VCV003674495.2).
Genomic context (GRCh38, chr4:121,932,473, plus strand): 5'-CTGAAGGAGTCGTGCCTCTGCTTCTCCATGCAGTCCCCGCACTTGCAGAAATAGTCGTGC[G>A]GCCGCTCGATCCTGGCACCCTTCATCAGCAGCATGTGCACCACTTCGTATTTCTGGCAGT-3'
Protein context (NP_001124170.1, residues 252-272): LLMKGARIER[Pro262Leu]HDYFCKCGDC

ClinVar aggregate classification (germline): Uncertain significance (1 of 4 stars; one submission).

gnomAD v4.1: 3 of 1,614,142 alleles (0.00019%); highest among the groups gnomAD compares: African/African-American, 0.0027%; no homozygotes.

Submission:

Labcorp Genetics (formerly Invitae), Labcorp
Classification: Uncertain significance. Last evaluated: 2024-04-05. Review status: criteria provided, single submitter. Criteria: Invitae Variant Classification Sherloc (09022015). Collection method: clinical testing. Allele origin: germline.
Comment: This sequence change replaces proline, which is neutral and non-polar, with leucine, which is neutral and non-polar, at codon 262 of the TRPC3 protein (p.Pro262Leu). This variant is present in population databases (rs571866879, gnomAD 0.007%). This variant has not been reported in the literature in individuals affected with TRPC3-related conditions. Advanced modeling of protein sequence and biophysical properties (such as structural, functional, and spatial information, amino acid conservation, physicochemical variation, residue mobility, and thermodynamic stability) performed at Invitae indicates that this missense variant is not expected to disrupt TRPC3 protein function with a negative predictive value of 80%. In summary, the available evidence is currently insufficient to determine the role of this variant in disease. Therefore, it has been classified as a Variant of Uncertain Significance.